The following is an entry in ClinVar:

NM_001267550.2(TTN):c.50189C>T (p.Ala16730Val)

Genes: TTN (titin; minus strand), TTN-AS1 (TTN antisense RNA 1; plus strand). Cytogenetic location: 2q31.2.
Variant type: single nucleotide variant.
Coding change: c.50189C>T on transcript NM_001267550.2 (MANE Select); coding-DNA position 50189, C replaced by T.
Protein change: p.Ala16730Val; replaces alanine 16730 with valine.
Molecular consequence: missense variant.
Genome position (GRCh38, 1-based): chr2:178,612,336, G>A on the plus strand (C>T on the coding strand, the complement: TTN is on the minus strand). VCF-style: chr2-178612336-G-A. GRCh37 (hg19) VCF-style: chr2-179477063-G-A.
Other names: c.45266C>T, p.Ala15089Val (NM_001256850.1); c.22994C>T, p.Ala7665Val (NM_003319.4); c.42485C>T, p.Ala14162Val (NM_133378.4); c.23369C>T, p.Ala7790Val (NM_133432.3); c.23570C>T, p.Ala7857Val (NM_133437.4); short protein forms A16730V, A15089V, A7665V, A7857V, A14162V, A7790V.
Identifiers: ClinVar variation 467222 (VCV000467222.6), dbSNP rs763483590, ClinGen allele CA1994433.

ClinVar aggregate classification (germline): Uncertain significance. Review status: criteria provided, multiple submitters, no conflicts (2 of 4 stars). 3 submissions from 3 submitters: Uncertain significance (3). Last evaluated 2023-04-10.

Conditions:
Autosomal recessive limb-girdle muscular dystrophy type 2J (LGMDR10). Also called: Limb-girdle muscular dystrophy, type 2J; MUSCULAR DYSTROPHY, LIMB-GIRDLE, AUTOSOMAL RECESSIVE 10. Identifiers: Orphanet 140922, MedGen C1837342, MONDO:0012127, OMIM 608807.
Dilated cardiomyopathy 1G (CMD1G). Identifiers: Orphanet 154, MedGen C1858763, MONDO:0011400, OMIM 604145.
Cardiovascular phenotype. Identifiers: MedGen CN230736.

Allele frequency attached by ClinVar (database versions not stated): gnomAD exomes below 0.00001; ExAC 0.00001.
gnomAD v4.1: 1 of 1,612,524 alleles (0.000062%); highest among the groups gnomAD compares: East Asian, 0.0022%; no homozygotes.

Submissions (3):

Women's Health and Genetics/Laboratory Corporation of America, LabCorp
Classification: Uncertain significance. Last evaluated: 2023-04-10. Review status: criteria provided, single submitter. Criteria: LabCorp Variant Classification Summary - May 2015. Collection method: clinical testing. Allele origin: germline.

Ambry Genetics
Classification: Uncertain significance for Cardiovascular phenotype. Last evaluated: 2019-08-14. Review status: criteria provided, single submitter. Criteria: Ambry Variant Classification Scheme 2023. Collection method: clinical testing. Allele origin: germline.
Comment: The p.A7665V variant (also known as c.22994C>T), located in coding exon 93 of the TTN gene, results from a C to T substitution at nucleotide position 22994. The alanine at codon 7665 is replaced by valine, an amino acid with similar properties. This amino acid position is well conserved in available vertebrate species. In addition, this alteration is predicted to be tolerated by in silico analysis. Since supporting evidence is limited at this time, the clinical significance of this alteration remains unclear.

Labcorp Genetics (formerly Invitae), Labcorp
Classification: Uncertain significance for Dilated cardiomyopathy 1G; Autosomal recessive limb-girdle muscular dystrophy type 2J. Last evaluated: 2017-06-09. Review status: criteria provided, single submitter. Criteria: Invitae Variant Classification Sherloc (09022015). Collection method: clinical testing. Allele origin: germline.